The following is an entry in ClinVar:

NM_001848.3(COL6A1):c.928_930del (p.Lys310del)

Gene: COL6A1 (collagen type VI alpha 1 chain; plus strand). Cytogenetic location: 21q22.3.
Variant type: Deletion.
Coding change: c.928_930del on transcript NM_001848.3 (MANE Select); coding-DNA positions 928 to 930, 3 bases deleted (AAG; older notation c.928_930delAAG).
Protein change: p.Lys310del; deletes lysine 310.
Molecular consequence: inframe deletion.
Genome position (GRCh38, 1-based): chr21:45,989,776-45,989,778, AAG deleted; deleting any 3 consecutive bases within chr21:45,989,774-45,989,778 gives the same sequence; the c. name uses the placement nearest the transcript's 3' end. VCF-style (leftmost placement, unchanged base first): chr21-45989773-GAGA-G. GRCh37 (hg19) VCF-style: chr21-47409687-GAGA-G.
Other names: c.928_930+0delAAG (NM_001848.2); short protein forms K310del.
Identifiers: ClinVar variation 285482 (VCV000285482.14), dbSNP rs886043114, ClinGen allele CA10605126.

ClinVar aggregate classification (germline): Pathogenic/Likely pathogenic. Review status: criteria provided, multiple submitters, no conflicts (2 of 4 stars). 4 submissions from 4 submitters: Pathogenic (3); Likely pathogenic (1). Last evaluated 2025-05-06.

Conditions:
Ullrich congenital muscular dystrophy 1A. Also called: Intermediate COL6-RD; Ullrich congenital muscular dystrophy 1. Identifiers: Orphanet 75840, MedGen C0410179, MONDO:0009681, OMIM 254090.
Bethlem myopathy 1A. Also called: Bethlem Muscular Dystrophy; MYOPATHY, BENIGN CONGENITAL, WITH CONTRACTURES; Bethlem myopathy 1. Identifiers: Orphanet 610, MedGen CN029274, MONDO:0024530, OMIM 158810.

Submissions (4):

Labcorp Genetics (formerly Invitae), Labcorp
Classification: Pathogenic for Bethlem myopathy 1A. Last evaluated: 2025-05-06. Review status: criteria provided, single submitter. Criteria: Invitae Variant Classification Sherloc (09022015). Collection method: clinical testing. Allele origin: germline.
Comment: This variant, c.928_930del, results in the deletion of 1 amino acid(s) of the COL6A1 protein (p.Lys310del), but otherwise preserves the integrity of the reading frame. This variant is not present in population databases (gnomAD no frequency). This variant has been observed in individual(s) with clinical features of autosomal dominant COL6A1-related conditions (PMID: 17886299, 20576434). In at least one individual the variant was observed to be de novo. ClinVar contains an entry for this variant (Variation ID: 285482). Algorithms developed to predict the effect of sequence changes on RNA splicing suggest that this variant may disrupt the consensus splice site. This variant disrupts the triple helix domain of COL6A1. Glycine residues within the Gly-Xaa-Yaa repeats of the triple helix domain are required for the structure and stability of fibrillar collagens (PMID: 7695699, 8218237, 19344236). In COL6A1, variants at these glycine residues are significantly enriched in individuals with autosomal dominant disease (PMID: 15689448, 24038877) compared to the general population (ExAC). For these reasons, this variant has been classified as Pathogenic.

3billion
Classification: Likely pathogenic for Ullrich congenital muscular dystrophy 1A. Last evaluated: 2022-05-22. Review status: criteria provided, single submitter. Criteria: ACMG Guidelines, 2015. Collection method: clinical testing. Allele origin: germline. Affected: yes. Observed: 1 heterozygote.
Comment: The variant is not observed in the gnomAD v2.1.1 dataset. Inframe deletion located in a nonrepeat region: predicted to change the length of the protein and disrupt normal protein function. The variant has been reported to co-segregate with the disease in at least 3 similarly affected relatives/individuals in the same family or similarly affected unrelated families (PMID: 17886299). The variant has been reported at least twice as pathogenic with clinical assertions and evidence for the classification (ClinVar ID: VCV000285482 / PMID: 17886299). Therefore, this variant is classified as likely pathogenic according to the recommendation of ACMG/AMP guideline.

Eurofins Ntd Llc (ga)
Classification: Pathogenic. Last evaluated: 2015-12-31. Review status: criteria provided, single submitter. Criteria: EGL Classification Definitions 2015. Collection method: clinical testing. Allele origin: germline. Observed: 1 variant allele, 1 heterozygote.

GeneDx
Classification: Pathogenic. Last evaluated: 2015-05-13. Review status: criteria provided, single submitter. Criteria: GeneDx Variant Classification (06012015). Collection method: clinical testing. Allele origin: germline. Affected: yes.
Comment: The c.928_930delAAG variant in the COL6A1 gene has been reported previously in the heterozygousstate in three individuals from a single family affected with Bethlem myopathy (Baker et al., 2007). Thec.928_930delAAG deletion causes an in-frame deletion of a Lysine residue at codon 310, denotedp.Lys310del. The deleted residue is conserved across species. The c.928_930delAAG variant was notobserved in approximately 6500 individuals of European and African American ancestry in the NHLBIExome Sequencing Project, indicating it is not a common benign variant in these populations. We interpretc.928_930delAAG as a pathogenic variant.

Literature cited by the submitters: PubMed 17886299 (cited by Labcorp Genetics (formerly Invitae), Labcorp and 3billion); PubMed 20576434 (cited by Labcorp Genetics (formerly Invitae), Labcorp); PubMed 7695699 (cited by Labcorp Genetics (formerly Invitae), Labcorp); PubMed 8218237 (cited by Labcorp Genetics (formerly Invitae), Labcorp); PubMed 19344236 (cited by Labcorp Genetics (formerly Invitae), Labcorp); PubMed 15689448 (cited by Labcorp Genetics (formerly Invitae), Labcorp); PubMed 24038877 (cited by Labcorp Genetics (formerly Invitae), Labcorp).